The following is an entry in ClinVar:

NM_001083619.3(GRIA2):c.1761A>C (p.Glu587Asp)

Gene: GRIA2 (glutamate ionotropic receptor AMPA type subunit 2; plus strand). Cytogenetic location: 4q32.1.
Variant type: single nucleotide variant.
Coding change: c.1761A>C on transcript NM_001083619.3 (MANE Select); coding-DNA position 1761, A replaced by C.
Protein change: p.Glu587Asp; replaces glutamic acid 587 with aspartic acid.
Molecular consequence: missense variant.
Genome position (GRCh38, 1-based): chr4:157,336,664, A>C. VCF-style: chr4-157336664-A-C. GRCh37 (hg19) VCF-style: chr4-158257816-A-C.
Other names: c.1761A>C, p.Glu587Asp (NM_000826.6); c.1620A>C, p.Glu540Asp (NM_001083620.3, NM_001379000.3, NM_001379001.3); short protein forms E540D, E587D.
Identifiers: ClinVar variation 3025865 (VCV003025865.22), dbSNP rs748512581, ClinGen allele CA3120425.
Genomic context (GRCh38, chr4:157,336,664, plus strand): 5'-TAGCCCCTACGAGTGGCACACTGAGGAGTTTGAAGATGGAAGAGAAACACAAAGTAGTGA[A>C]TCAACTAATGAATTTGGGATTTTTAATAGTCTCTGGTTTTCCTTGGGTGCCTTTATGCAG-3'
Protein context (NP_001077088.2, residues 577-597): FEDGRETQSS[Glu587Asp]STNEFGIFNS

ClinVar aggregate classification (germline): Uncertain significance (1 of 4 stars; one submission).

Allele frequency attached by ClinVar (database versions not stated): ExAC 0.00001; gnomAD 0.00001; gnomAD exomes 0.00001.
gnomAD v4.1: 20 of 1,612,928 alleles (0.0012%); highest among the groups gnomAD compares: Admixed American, 0.0017%; no homozygotes.

Submission:

CeGaT Center for Human Genetics Tuebingen
Classification: Uncertain significance. Last evaluated: 2024-02-01. Review status: criteria provided, single submitter. Criteria: CeGaT Center For Human Genetics Tuebingen Variant Classification Criteria Version 2. Collection method: clinical testing. Allele origin: germline. Affected: yes. Observed: 1 variant allele.
Comment: GRIA2: PP2